The following is an entry in ClinVar:

NM_017617.5(NOTCH1):c.728G>T (p.Cys243Phe)

Gene: NOTCH1 (notch receptor 1; minus strand). Cytogenetic location: 9q34.3.
Variant type: single nucleotide variant.
Coding change: c.728G>T on transcript NM_017617.5 (MANE Select); coding-DNA position 728, G replaced by T.
Protein change: p.Cys243Phe; replaces cysteine 243 with phenylalanine.
Molecular consequence: missense variant.
Genome position (GRCh38, 1-based): chr9:136,522,864, C>A on the plus strand (G>T on the coding strand, the complement: NOTCH1 is on the minus strand). VCF-style: chr9-136522864-C-A. GRCh37 (hg19) VCF-style: chr9-139417316-C-A.
Other names: short protein forms C243F.
Identifiers: ClinVar variation 3031490 (VCV003031490.2), dbSNP rs2133377241, ClinGen allele CA375569026.
Genomic context (GRCh38, chr9:136,522,864, plus strand): 5'-GCAGCCGGGGAGGGGCTCGTGCACCCCGGCCAGCGGGCAGCACTACCTGGCAGGCAGGCA[C>A]ACTCGTGGGTGACGTCGCCCGTGGGGCGGCAGGTGCCCCCGTTCTGGCAGGGCGAGGGGC-3'
Protein context (NP_060087.3, residues 233-253): CRPTGDVTHE[Cys243Phe]ACLPGFTGQN

ClinVar aggregate classification (germline): Uncertain significance (0 of 4 stars; one submission).

Conditions:
NOTCH1-related disorder. Also called: NOTCH1-related condition; NOTCH1-related disorders.

Submission:

PreventionGenetics, part of Exact Sciences
Classification: Uncertain significance for NOTCH1-related condition. Last evaluated: 2023-12-28. Review status: no assertion criteria provided. Collection method: clinical testing. Allele origin: germline.
Comment: The NOTCH1 c.728G>T variant is predicted to result in the amino acid substitution p.Cys243Phe. To our knowledge, this variant has not been reported in the literature or in a large population database, indicating this variant is rare. At this time, the clinical significance of this variant is uncertain due to the absence of conclusive functional and genetic evidence.